The following is an entry in ClinVar:

ClinVar aggregate classification (germline): Uncertain significance (1 of 4 stars; one submission).

Submission:

Labcorp Genetics (formerly Invitae), Labcorp
Classification: Uncertain significance. Last evaluated: 2022-07-01. Review status: criteria provided, single submitter. Criteria: Invitae Variant Classification Sherloc (09022015). Collection method: clinical testing. Allele origin: germline.
Comment: Advanced modeling of protein sequence and biophysical properties (such as structural, functional, and spatial information, amino acid conservation, physicochemical variation, residue mobility, and thermodynamic stability) performed at Invitae indicates that this missense variant is not expected to disrupt COL2A1 protein function. In summary, the available evidence is currently insufficient to determine the role of this variant in disease. Therefore, it has been classified as a Variant of Uncertain Significance. This variant has not been reported in the literature in individuals affected with COL2A1-related conditions. This variant is not present in population databases (gnomAD no frequency). This sequence change replaces methionine, which is neutral and non-polar, with valine, which is neutral and non-polar, at codon 1097 of the COL2A1 protein (p.Met1097Val).

NM_001844.5(COL2A1):c.3289A>G (p.Met1097Val)

Gene: COL2A1 (collagen type II alpha 1 chain; minus strand). Cytogenetic location: 12q13.11.
Variant type: single nucleotide variant.
Coding change: c.3289A>G on transcript NM_001844.5 (MANE Select); coding-DNA position 3289, A replaced by G.
Protein change: p.Met1097Val; replaces methionine 1097 with valine.
Molecular consequence: missense variant.
Genome position (GRCh38, 1-based): chr12:47,977,140, T>C on the plus strand (A>G on the coding strand, the complement: COL2A1 is on the minus strand). VCF-style: chr12-47977140-T-C. GRCh37 (hg19) VCF-style: chr12-48370923-T-C.
Other names: c.3082A>G, p.Met1028Val (NM_033150.3); short protein forms M1028V, M1097V.
Identifiers: ClinVar variation 2009276 (VCV002009276.4), dbSNP rs1375295610, ClinGen allele CA384539724.